The following is an entry in ClinVar:

NC_000016.9:g.(?_8829597)_(8941682_?)dup

Genes: ABAT (4-aminobutyrate aminotransferase; plus strand), PMM2 (phosphomannomutase 2; plus strand), TMEM186 (transmembrane protein 186; minus strand). Cytogenetic location: 16p13.2.
Variant type: Duplication.
Identifiers: ClinVar variation 1041094 (VCV001041094.1).

ClinVar aggregate classification (germline): Uncertain significance (1 of 4 stars; one submission).

Conditions:
Gamma-aminobutyric acid transaminase deficiency (GABATD). Also called: GABA aminotransaminase deficiency; GABA transaminase deficiency; Gamma aminobutyrate transaminase deficiency; 4 alpha aminobutyrate transaminase deficiency. Identifiers: Orphanet 2066, MedGen C0342708, MONDO:0013166, OMIM 613163.

Submission:

Labcorp Genetics (formerly Invitae), Labcorp
Classification: Uncertain significance for Gamma-aminobutyric acid transaminase deficiency. Last evaluated: 2020-06-09. Review status: criteria provided, single submitter. Criteria: Invitae Variant Classification Sherloc (09022015). Collection method: clinical testing. Allele origin: germline.
Comment: This variant results in a copy number gain of the genomic region encompassing the full coding sequence of the ABAT gene. The boundaries of this event are unknown as they extend beyond the assayed region for this gene and therefore may encompass additional genes. As the precise location of this event is unknown, it may be in tandem or it may be located elsewhere in the genome. This variant has not been reported in the literature in individuals with ABAT-related conditions. In summary, the available evidence is currently insufficient to determine the role of this variant in disease. Therefore, it has been classified as a Variant of Uncertain Significance.